The following is an entry in ClinVar:

ClinVar aggregate classification (germline): Uncertain significance (1 of 4 stars; one submission).

gnomAD v4.1: 5 of 1,613,752 alleles (0.00031%); highest among the groups gnomAD compares: Non-Finnish European, 0.00042%; no homozygotes.

Submission:

Ambry Genetics
Classification: Uncertain significance. Last evaluated: 2026-07-11. Review status: criteria provided, single submitter. Criteria: Ambry Variant Classification Scheme 2023. Collection method: clinical testing. Allele origin: germline.
Comment: The p.S1758L variant (also known as c.5273C>T), located in coding exon 46 of the KIF1B gene, results from a C to T substitution at nucleotide position 5273. The serine at codon 1758 is replaced by leucine, an amino acid with dissimilar properties. This amino acid position is conserved. In addition, this alteration is predicted to be deleterious by in silico analysis. Based on the available evidence, the clinical significance of this variant remains unclear.

NM_001365951.3(KIF1B):c.5411C>T (p.Ser1804Leu)

Gene: KIF1B (kinesin family member 1B; plus strand). Cytogenetic location: 1p36.22.
Variant type: single nucleotide variant.
Coding change: c.5411C>T on transcript NM_001365951.3 (MANE Select); coding-DNA position 5411, C replaced by T.
Protein change: p.Ser1804Leu; replaces serine 1804 with leucine.
Molecular consequence: missense variant.
Genome position (GRCh38, 1-based): chr1:10,376,547, C>T. VCF-style: chr1-10376547-C-T. GRCh37 (hg19) VCF-style: chr1-10436605-C-T.
Other names: c.5411C>T, p.Ser1804Leu (NM_001365952.1); c.5273C>T, p.Ser1758Leu (NM_015074.3); short protein forms S1758L, S1804L.
Identifiers: ClinVar variation 5023189 (VCV005023189.1).